The following is an entry in ClinVar:

NM_001042492.3(NF1):c.1356dup (p.Gly453fs)

Gene: NF1 (neurofibromin 1; plus strand). Cytogenetic location: 17q11.2.
Variant type: Duplication.
Coding change: c.1356dup on transcript NM_001042492.3 (MANE Select); coding-DNA position 1356, one base duplicated (A; older notation c.1356dupA).
Protein change: p.Gly453fs; shifts the reading frame from glycine 453.
Molecular consequence: frameshift variant.
Genome position (GRCh38, 1-based): chr17:31,206,335, A duplicated; the last of 2 consecutive A bases (chr17:31,206,334-31,206,335); duplicating either gives the same sequence. VCF-style (leftmost placement, unchanged base first): chr17-31206333-C-CA. GRCh37 (hg19) VCF-style: chr17-29533351-C-CA.
Other names: c.1356dup, p.Gly453Argfs (NM_000267.4); c.1356dup, p.Gly453fs (NM_001128147.3); short protein forms G453fs.
Identifiers: ClinVar variation 1455729 (VCV001455729.6), dbSNP rs2143914954, ClinGen allele CA2573153620.

ClinVar aggregate classification (germline): Pathogenic (1 of 4 stars; one submission).

Conditions:
Neurofibromatosis, type 1 (NF1). Also called: Neurofibromatosis, type I; VON RECKLINGHAUSEN DISEASE; NEUROFIBROMATOSIS, TYPE I, SOMATIC; Peripheral type neurofibromatosis. Identifiers: Orphanet 636, MedGen C0027831, MONDO:0018975, OMIM 162200. Disease mechanism: loss of function.

Submission:

Labcorp Genetics (formerly Invitae), Labcorp
Classification: Pathogenic for Neurofibromatosis, type 1. Last evaluated: 2021-04-14. Review status: criteria provided, single submitter. Criteria: Invitae Variant Classification Sherloc (09022015). Collection method: clinical testing. Allele origin: germline.
Comment: This sequence change creates a premature translational stop signal (p.Gly453Argfs*17) in the NF1 gene. It is expected to result in an absent or disrupted protein product. Loss-of-function variants in NF1 are known to be pathogenic (PMID: 10712197, 23913538). This variant is not present in population databases (ExAC no frequency). For these reasons, this variant has been classified as Pathogenic. This variant has not been reported in the literature in individuals with NF1-related conditions.

Literature cited by the submitters: PubMed 10712197; PubMed 23913538.